The following is an entry in ClinVar:

NM_021625.5(TRPV4):c.2569C>A (p.Gln857Lys)

Gene: TRPV4 (transient receptor potential cation channel subfamily V member 4; minus strand). Cytogenetic location: 12q24.11.
Variant type: single nucleotide variant.
Coding change: c.2569C>A on transcript NM_021625.5 (MANE Select); coding-DNA position 2569, C replaced by A.
Protein change: p.Gln857Lys; replaces glutamine 857 with lysine.
Molecular consequence: missense variant.
Genome position (GRCh38, 1-based): chr12:109,783,668, G>T on the plus strand (C>A on the coding strand, the complement: TRPV4 is on the minus strand). VCF-style: chr12-109783668-G-T. GRCh37 (hg19) VCF-style: chr12-110221473-G-T.
Other names: c.2428C>A, p.Gln810Lys (NM_001177428.2); c.2467C>A, p.Gln823Lys (NM_001177431.2); c.2248C>A, p.Gln750Lys (NM_001177433.2); c.2389C>A, p.Gln797Lys (NM_147204.3); short protein forms Q797K, Q823K, Q750K, Q810K, Q857K.
Identifiers: ClinVar variation 4701747 (VCV004701747.1).

ClinVar aggregate classification (germline): Uncertain significance (1 of 4 stars; one submission).

Conditions:
Charcot-Marie-Tooth disease axonal type 2C (HMSN2C). Also called: CHARCOT-MARIE-TOOTH DISEASE, AXONAL, AUTOSOMAL DOMINANT, TYPE 2C; Charcot-Marie-Tooth Neuropathy Type 2C; Charcot-Marie-Tooth Disease Type 2, TRPV4-Related (CMT2C). Identifiers: Orphanet 99937, MedGen C1853710, MONDO:0011633, OMIM 606071.

Submission:

Labcorp Genetics (formerly Invitae), Labcorp
Classification: Uncertain significance for Charcot-Marie-Tooth disease axonal type 2C. Last evaluated: 2025-11-10. Review status: criteria provided, single submitter. Criteria: Invitae Variant Classification Sherloc (09022015). Collection method: clinical testing. Allele origin: germline.
Comment: This sequence change replaces glutamine, which is neutral and polar, with lysine, which is basic and polar, at codon 857 of the TRPV4 protein (p.Gln857Lys). This variant is present in population databases (rs114360402, gnomAD 0.02%). This variant has not been reported in the literature in individuals affected with TRPV4-related conditions. Invitae Evidence Modeling of protein sequence and biophysical properties (such as structural, functional, and spatial information, amino acid conservation, physicochemical variation, residue mobility, and thermodynamic stability) indicates that this missense variant is not expected to disrupt TRPV4 protein function with a negative predictive value of 95%. In summary, the available evidence is currently insufficient to determine the role of this variant in disease. Therefore, it has been classified as a Variant of Uncertain Significance.